The following is an entry in ClinVar:

ClinVar aggregate classification (germline): Uncertain significance (0 of 4 stars; one submission).

Conditions:
TBX3-related disorder. Also called: TBX3-related condition.

gnomAD v4.1: 3 of 1,552,150 alleles (0.00019%); highest among the groups gnomAD compares: South Asian, 0.0024%; no homozygotes.

Submission:

PreventionGenetics, part of Exact Sciences
Classification: Uncertain significance for TBX3-related condition. Last evaluated: 2024-06-27. Review status: no assertion criteria provided. Collection method: clinical testing. Allele origin: germline.
Comment: The TBX3 c.1387G>A variant is predicted to result in the amino acid substitution p.Ala463Thr. To our knowledge, this variant has not been reported in the literature or in a large population database, indicating this variant is rare. At this time, the clinical significance of this variant is uncertain due to the absence of conclusive functional and genetic evidence.

NM_005996.4(TBX3):c.1327G>A (p.Ala443Thr)

Gene: TBX3 (T-box transcription factor 3; minus strand). Cytogenetic location: 12q24.21.
Variant type: single nucleotide variant.
Coding change: c.1327G>A on transcript NM_005996.4 (MANE Select); coding-DNA position 1327, G replaced by A.
Protein change: p.Ala443Thr; replaces alanine 443 with threonine.
Molecular consequence: missense variant.
Genome position (GRCh38, 1-based): chr12:114,674,548, C>T on the plus strand (G>A on the coding strand, the complement: TBX3 is on the minus strand). VCF-style: chr12-114674548-C-T. GRCh37 (hg19) VCF-style: chr12-115112353-C-T.
Other names: c.1387G>A, p.Ala463Thr (NM_016569.4); short protein forms A443T, A463T.
Identifiers: ClinVar variation 3346456 (VCV003346456.1).